The following is an entry in ClinVar:

NM_001378609.3(OTOGL):c.2152C>T (p.Leu718Phe)

Gene: OTOGL (otogelin like; plus strand). Cytogenetic location: 12q21.31.
Variant type: single nucleotide variant.
Coding change: c.2152C>T on transcript NM_001378609.3 (MANE Select); coding-DNA position 2152, C replaced by T.
Protein change: p.Leu718Phe; replaces leucine 718 with phenylalanine.
Molecular consequence: missense variant.
Genome position (GRCh38, 1-based): chr12:80,265,138, C>T. VCF-style: chr12-80265138-C-T. GRCh37 (hg19) VCF-style: chr12-80658918-C-T.
Other names: c.2152C>T, p.Leu718Phe (NM_001368062.3, NM_001378610.3, NM_173591.7); short protein forms L718F.
Identifiers: ClinVar variation 2521055 (VCV002521055.4), dbSNP rs746006079, ClinGen allele CA6700681.

ClinVar aggregate classification (germline): Uncertain significance. Review status: criteria provided, multiple submitters, no conflicts (2 of 4 stars). 2 submissions from 2 submitters: Uncertain significance (2). Last evaluated 2025-08-01.

Conditions:
Inborn genetic diseases. Identifiers: MedGen C0950123, MeSH D030342.

Allele frequency attached by ClinVar (database versions not stated): gnomAD exomes below 0.00001; ExAC 0.00001; gnomAD 0.00001.
gnomAD v4.1: 6 of 1,613,774 alleles (0.00037%); highest among the groups gnomAD compares: Non-Finnish European, 0.00051%; no homozygotes.

Submissions (2):

Ambry Genetics
Classification: Uncertain significance for Inborn genetic diseases. Last evaluated: 2025-08-01. Review status: criteria provided, single submitter. Criteria: Ambry Variant Classification Scheme 2023. Collection method: clinical testing. Allele origin: germline.

GeneDx
Classification: Uncertain significance. Last evaluated: 2025-02-06. Review status: criteria provided, single submitter. Criteria: GeneDx Variant Classification Process June 2021. Collection method: clinical testing. Allele origin: germline. Affected: yes.
Comment: Not observed at significant frequency in large population cohorts (gnomAD); In silico analysis supports that this missense variant has a deleterious effect on protein structure/function; Has not been previously published as pathogenic or benign to our knowledge